The following is an entry in ClinVar:

NM_001267550.2(TTN):c.82492G>A (p.Gly27498Ser)

Genes: TTN (titin; minus strand), TTN-AS1 (TTN antisense RNA 1; plus strand). Cytogenetic location: 2q31.2.
Variant type: single nucleotide variant.
Coding change: c.82492G>A on transcript NM_001267550.2 (MANE Select); coding-DNA position 82492, G replaced by A.
Protein change: p.Gly27498Ser; replaces glycine 27498 with serine.
Molecular consequence: missense variant.
Genome position (GRCh38, 1-based): chr2:178,563,640, C>T on the plus strand (G>A on the coding strand, the complement: TTN is on the minus strand). VCF-style: chr2-178563640-C-T. GRCh37 (hg19) VCF-style: chr2-179428367-C-T.
Other names: c.77569G>A, p.Gly25857Ser (NM_001256850.1); c.55297G>A, p.Gly18433Ser (NM_003319.4); c.74788G>A, p.Gly24930Ser (NM_133378.4); c.55672G>A, p.Gly18558Ser (NM_133432.3); c.55873G>A, p.Gly18625Ser (NM_133437.4); short protein forms G18433S, G18558S, G18625S, G24930S, G25857S, G27498S.
Identifiers: ClinVar variation 3896493 (VCV003896493.2).

ClinVar aggregate classification (germline): Uncertain significance (1 of 4 stars; one submission).

gnomAD v4.1: 11 of 1,613,622 alleles (0.00068%); highest among the groups gnomAD compares: African/African-American, 0.008%; no homozygotes.

Submission:

Women's Health and Genetics/Laboratory Corporation of America, LabCorp
Classification: Uncertain significance. Last evaluated: 2025-04-03. Review status: criteria provided, single submitter. Criteria: LabCorp Variant Classification Summary - May 2015. Collection method: clinical testing. Allele origin: germline.
Comment: Variant summary: TTN c.74788G>A (p.Gly24930Ser) results in a non-conservative amino acid change in the encoded protein sequence. Four of four in-silico tools predict a damaging effect of the variant on protein function. The variant allele was found at a frequency of 1.6e-05 in 248826 control chromosomes. The available data on variant occurrences in the general population are insufficient to allow any conclusion about variant significance. To our knowledge, no occurrence of c.74788G>A in individuals affected with TTN-related conditions and no experimental evidence demonstrating its impact on protein function have been reported. No submitters have cited clinical-significance assessments for this variant to ClinVar. Based on the evidence outlined above, the variant was classified as uncertain significance.